The following is an entry in ClinVar:

ClinVar aggregate classification (germline): Uncertain significance (1 of 4 stars; one submission).

Conditions:
Combined oxidative phosphorylation defect type 17. Also called: Combined oxidative phosphorylation deficiency 17. Identifiers: Orphanet 369913, MedGen C3809526, MONDO:0014190, OMIM 615440.

Submission:

Labcorp Genetics (formerly Invitae), Labcorp
Classification: Uncertain significance for Combined oxidative phosphorylation defect type 17. Last evaluated: 2021-03-24. Review status: criteria provided, single submitter. Criteria: Invitae Variant Classification Sherloc (09022015). Collection method: clinical testing. Allele origin: germline.
Comment: This sequence change replaces proline with arginine at codon 345 of the ELAC2 protein (p.Pro345Arg). The proline residue is moderately conserved and there is a moderate physicochemical difference between proline and arginine. This variant is not present in population databases (ExAC no frequency). This variant has not been reported in the literature in individuals with ELAC2-related conditions. Algorithms developed to predict the effect of missense changes on protein structure and function are either unavailable or do not agree on the potential impact of this missense change (SIFT: "Tolerated"; PolyPhen-2: "Probably Damaging"; Align-GVGD: "Class C0"). In summary, the available evidence is currently insufficient to determine the role of this variant in disease. Therefore, it has been classified as a Variant of Uncertain Significance.

NM_018127.7(ELAC2):c.1034C>G (p.Pro345Arg)

Gene: ELAC2 (elaC ribonuclease Z 2; minus strand). Cytogenetic location: 17p12.
Variant type: single nucleotide variant.
Coding change: c.1034C>G on transcript NM_018127.7 (MANE Select); coding-DNA position 1034, C replaced by G.
Protein change: p.Pro345Arg; replaces proline 345 with arginine.
Molecular consequence: missense variant.
Genome position (GRCh38, 1-based): chr17:13,003,524, G>C on the plus strand (C>G on the coding strand, the complement: ELAC2 is on the minus strand). VCF-style: chr17-13003524-G-C. GRCh37 (hg19) VCF-style: chr17-12906841-G-C.
Other names: c.914C>G, p.Pro305Arg (NM_001165962.2); c.1034C>G, p.Pro345Arg (NM_173717.2); short protein forms P305R, P345R.
Identifiers: ClinVar variation 1473803 (VCV001473803.8), dbSNP rs2143612955, ClinGen allele CA398225834.